The following is an entry in ClinVar:

NM_018026.4(PACS1):c.1707G>A (p.Val569=)

Gene: PACS1 (phosphofurin acidic cluster sorting protein 1; plus strand). Cytogenetic location: 11q13.2.
Variant type: single nucleotide variant.
Coding change: c.1707G>A on transcript NM_018026.4 (MANE Select); coding-DNA position 1707, G replaced by A.
Protein change: p.Val569=; no amino-acid change (valine 569 retained).
Molecular consequence: synonymous variant.
Genome position (GRCh38, 1-based): chr11:66,232,252, G>A. VCF-style: chr11-66232252-G-A. GRCh37 (hg19) VCF-style: chr11-65999723-G-A.
Other names: c.1707G>A (NM_018026.3).
Identifiers: ClinVar variation 2082080 (VCV002082080.6), dbSNP rs374295366, ClinGen allele CA6116644.

ClinVar aggregate classification (germline): Likely benign. Review status: criteria provided, single submitter (1 of 4 stars). 2 submissions from 2 submitters: Likely benign (1). 1 of the submissions does not count toward it. Last evaluated 2025-06-22.

Conditions:
Schuurs-Hoeijmakers syndrome. Also called: PACS1-Related Neurodevelopmental Disorder. Identifiers: Orphanet 329224, MedGen C3554343, MONDO:0014006, OMIM 615009.
PACS1-related disorder. Also called: PACS1-related condition.

Allele frequency attached by ClinVar (database versions not stated): ExAC 0.00005; gnomAD 0.00015; ESP Exome Variant Server 0.00015; TOPMed 0.00019; gnomAD exomes 0.00001.
gnomAD v4.1: 38 of 1,610,774 alleles (0.0024%); highest among the groups gnomAD compares: African/African-American, 0.043%; no homozygotes.

Submissions (2):

Labcorp Genetics (formerly Invitae), Labcorp
Classification: Likely benign for Schuurs-Hoeijmakers syndrome. Last evaluated: 2025-06-22. Review status: criteria provided, single submitter. Criteria: Invitae Variant Classification Sherloc (09022015). Collection method: clinical testing. Allele origin: germline.

PreventionGenetics, part of Exact Sciences
Classification: Likely benign for PACS1-related condition. Last evaluated: 2023-07-18. Review status: no assertion criteria provided. Collection method: clinical testing. Allele origin: germline. Not counted in ClinVar's aggregate classification.
Comment: This variant is classified as likely benign based on ACMG/AMP sequence variant interpretation guidelines (Richards et al. 2015 PMID: 25741868, with internal and published modifications).